The following is an entry in ClinVar:

NM_004655.4(AXIN2):c.1258C>A (p.Gln420Lys)

Gene: AXIN2 (axin 2; minus strand). Cytogenetic location: 17q24.1.
Variant type: single nucleotide variant.
Coding change: c.1258C>A on transcript NM_004655.4 (MANE Select); coding-DNA position 1258, C replaced by A.
Protein change: p.Gln420Lys; replaces glutamine 420 with lysine.
Molecular consequence: missense variant.
Genome position (GRCh38, 1-based): chr17:65,537,778, G>T on the plus strand (C>A on the coding strand, the complement: AXIN2 is on the minus strand). VCF-style: chr17-65537778-G-T. GRCh37 (hg19) VCF-style: chr17-63533896-G-T.
Other names: c.1258C>A, p.Gln420Lys (NM_001363813.1); c.1258C>A (LRG_296t1); short protein forms Q420K.
Identifiers: ClinVar variation 654390 (VCV000654390.11), dbSNP rs1555578074, ClinGen allele CA400677865.

ClinVar aggregate classification (germline): Uncertain significance. Review status: criteria provided, multiple submitters, no conflicts (2 of 4 stars). 2 submissions from 2 submitters: Uncertain significance (2). Last evaluated 2025-03-17.

Conditions:
Hereditary cancer-predisposing syndrome. Also called: Hereditary neoplastic syndrome; Tumor predisposition; Neoplastic Syndromes, Hereditary; Hereditary Cancer Syndrome. Identifiers: Orphanet 140162, MedGen C0027672, MeSH D009386, MONDO:0015356.
Oligodontia-cancer predisposition syndrome. Also called: TOOTH AGENESIS-COLORECTAL CANCER SYNDROME. Identifiers: Orphanet 300576, MedGen C1837750, MONDO:0012075, OMIM 608615. Disease mechanism: loss of function.

Submissions (2):

Ambry Genetics
Classification: Uncertain significance for Hereditary cancer-predisposing syndrome. Last evaluated: 2025-03-17. Review status: criteria provided, single submitter. Criteria: Ambry Variant Classification Scheme 2023. Collection method: clinical testing. Allele origin: germline.
Comment: The p.Q420K variant (also known as c.1258C>A), located in coding exon 5 of the AXIN2 gene, results from a C to A substitution at nucleotide position 1258. The glutamine at codon 420 is replaced by lysine, an amino acid with similar properties. This amino acid position is conserved. In addition, this alteration is predicted to be tolerated by in silico analysis. Based on the available evidence, the clinical significance of this variant remains unclear.

Labcorp Genetics (formerly Invitae), Labcorp
Classification: Uncertain significance for Oligodontia-cancer predisposition syndrome. Last evaluated: 2022-12-26. Review status: criteria provided, single submitter. Criteria: Invitae Variant Classification Sherloc (09022015). Collection method: clinical testing. Allele origin: germline.
Comment: This sequence change replaces glutamine, which is neutral and polar, with lysine, which is basic and polar, at codon 420 of the AXIN2 protein (p.Gln420Lys). This variant is not present in population databases (gnomAD no frequency). This variant has not been reported in the literature in individuals affected with AXIN2-related conditions. ClinVar contains an entry for this variant (Variation ID: 654390). Advanced modeling of protein sequence and biophysical properties (such as structural, functional, and spatial information, amino acid conservation, physicochemical variation, residue mobility, and thermodynamic stability) performed at Invitae indicates that this missense variant is not expected to disrupt AXIN2 protein function. In summary, the available evidence is currently insufficient to determine the role of this variant in disease. Therefore, it has been classified as a Variant of Uncertain Significance.